The following is an entry in ClinVar:

NM_000334.4(SCN4A):c.251A>G (p.Asp84Gly)

Gene: SCN4A (sodium voltage-gated channel alpha subunit 4; minus strand). Cytogenetic location: 17q23.3.
Variant type: single nucleotide variant.
Coding change: c.251A>G on transcript NM_000334.4 (MANE Select); coding-DNA position 251, A replaced by G.
Protein change: p.Asp84Gly; replaces aspartic acid 84 with glycine.
Molecular consequence: missense variant.
Genome position (GRCh38, 1-based): chr17:63,972,591, T>C on the plus strand (A>G on the coding strand, the complement: SCN4A is on the minus strand). VCF-style: chr17-63972591-T-C. GRCh37 (hg19) VCF-style: chr17-62049951-T-C.
Other names: short protein forms D84G.
Identifiers: ClinVar variation 4975529 (VCV004975529.1).

ClinVar aggregate classification (germline): Uncertain significance (1 of 4 stars; one submission).

Submission:

GeneDx
Classification: Uncertain significance. Last evaluated: 2026-01-29. Review status: criteria provided, single submitter. Criteria: GeneDx Variant Classification Process June 2021. Collection method: clinical testing. Allele origin: germline.
Comment: Not observed at significant frequency in large population cohorts (gnomAD); In silico analysis supports that this missense variant has a deleterious effect on protein structure/function; Has not been previously published as pathogenic or benign to our knowledge.